The following is an entry in ClinVar:

NM_001291303.3(FAT4):c.2316A>G (p.Gln772=)

Gene: FAT4 (FAT atypical cadherin 4; plus strand). Cytogenetic location: 4q28.1.
Variant type: single nucleotide variant.
Coding change: c.2316A>G on transcript NM_001291303.3 (MANE Select); coding-DNA position 2316, A replaced by G.
Protein change: p.Gln772=; no amino-acid change (glutamine 772 retained).
Molecular consequence: synonymous variant.
Genome position (GRCh38, 1-based): chr4:125,318,727, A>G. VCF-style: chr4-125318727-A-G. GRCh37 (hg19) VCF-style: chr4-126239882-A-G.
Other names: c.2316A>G, p.Gln772= (NM_001291285.3, NM_024582.6); c.2316A>G (NM_001291303.1).
Identifiers: ClinVar variation 506698 (VCV000506698.40), dbSNP rs187427286, ClinGen allele CA3072144.

ClinVar aggregate classification (germline): Benign/Likely benign. Review status: criteria provided, multiple submitters, no conflicts (2 of 4 stars). 6 submissions from 6 submitters: Benign (1); Likely benign (4). 1 of the submissions does not count toward it. Last evaluated 2026-09-01.

Conditions:
FAT4-related disorder. Also called: FAT4-related condition.

Allele frequency attached by ClinVar (database versions not stated): TOPMed 0.00063; ESP Exome Variant Server 0.00066; 1000 Genomes Project 30x 0.00172; 1000 Genomes Project 0.00180.
gnomAD v4.1: 1,437 of 1,613,934 alleles (0.089%); highest among the groups gnomAD compares: South Asian, 0.48%; 6 homozygotes.

Submissions (6):

CeGaT Center for Human Genetics Tuebingen
Classification: Likely benign. Last evaluated: 2026-09-01. Review status: criteria provided, single submitter. Criteria: CeGaT Center For Human Genetics Tuebingen Variant Classification Criteria Version 2. Collection method: clinical testing. Allele origin: germline. Affected: yes. Observed: 9 variant alleles.
Comment: FAT4: BP4, BP7

Labcorp Genetics (formerly Invitae), Labcorp
Classification: Benign. Last evaluated: 2026-01-27. Review status: criteria provided, single submitter. Criteria: Invitae Variant Classification Sherloc (09022015). Collection method: clinical testing. Allele origin: germline.

Blueprint Genetics
Classification: Likely benign. Last evaluated: 2024-11-07. Review status: criteria provided, single submitter. Criteria: ACMG Guidelines, 2015. Collection method: clinical testing. Allele origin: germline.

GeneDx
Classification: Likely benign. Last evaluated: 2020-02-26. Review status: criteria provided, single submitter. Criteria: GeneDx Variant Classification Process June 2021. Collection method: clinical testing. Allele origin: germline. Affected: yes.

Breakthrough Genomics
Classification: Likely benign. Review status: criteria provided, single submitter. Criteria: ACMG Guidelines, 2015. Collection method: not provided. Allele origin: germline. Inheritance: Autosomal recessive inheritance. Affected: yes.

PreventionGenetics, part of Exact Sciences
Classification: Likely benign for FAT4-related condition. Last evaluated: 2021-12-29. Review status: no assertion criteria provided. Collection method: clinical testing. Allele origin: germline. Not counted in ClinVar's aggregate classification.
Comment: This variant is classified as likely benign based on ACMG/AMP sequence variant interpretation guidelines (Richards et al. 2015 PMID: 25741868, with internal and published modifications).